The following is an entry in ClinVar:

ClinVar aggregate classification (germline): Pathogenic (1 of 4 stars; one submission).

Conditions:
Cernunnos-XLF deficiency (IMD124). Also called: SCID, AUTOSOMAL RECESSIVE, T CELL-NEGATIVE, B CELL-NEGATIVE, NK CELL-POSITIVE, WITH MICROCEPHALY, GROWTH RETARDATION, AND SENSITIVITY TO IONIZING RADIATION; NHEJ1 SYNDROME; Severe combined immunodeficiency with sensitivity to ionizing radiation due to NHEJ1 deficiency; SCID, autosomal recessive, T cell-negative, B cell-negative, NK cell-positive, and sensitivity to ionizing radiation due to NHEJ1 deficiency; IMMUNODEFICIENCY 124, SEVERE COMBINED. Identifiers: Orphanet 169079, MedGen C1969799, MONDO:0012650, OMIM 611291.

Submission:

Labcorp Genetics (formerly Invitae), Labcorp
Classification: Pathogenic for Cernunnos-XLF deficiency. Last evaluated: 2022-07-19. Review status: criteria provided, single submitter. Criteria: Invitae Variant Classification Sherloc (09022015). Collection method: clinical testing. Allele origin: germline.
Comment: For these reasons, this variant has been classified as Pathogenic. This variant has not been reported in the literature in individuals affected with NHEJ1-related conditions. This variant is not present in population databases (gnomAD no frequency). This sequence change creates a premature translational stop signal (p.Gln224Argfs*27) in the NHEJ1 gene. It is expected to result in an absent or disrupted protein product. Loss-of-function variants in NHEJ1 are known to be pathogenic (PMID: 16439204, 20597108).

Literature cited by the submitters: PubMed 16439204; PubMed 20597108.

NM_024782.3(NHEJ1):c.670_671del (p.Gln224fs)

Gene: NHEJ1 (non-homologous end joining factor 1; minus strand). Cytogenetic location: 2q35.
Variant type: Microsatellite.
Coding change: c.670_671del on transcript NM_024782.3 (MANE Select); coding-DNA positions 670 to 671, 2 bases deleted (CA; older notation c.670_671delCA).
Protein change: p.Gln224fs; shifts the reading frame from glutamine 224.
Molecular consequence: frameshift variant. On other transcripts: non-coding transcript variant (1).
Genome position (GRCh38, 1-based): chr2:219,078,124-219,078,125, TG deleted on the plus strand (CA on the coding strand, the reverse complement: NHEJ1 is on the minus strand); deleting any 2 consecutive bases within chr2:219,078,124-219,078,129 gives the same sequence; the c. name uses the placement nearest the transcript's 3' end. VCF-style (leftmost placement, unchanged base first): chr2-219078123-TTG-T. GRCh37 (hg19) VCF-style: chr2-219942845-TTG-T.
Other names: c.670_671del, p.Gln224fs (NM_001377499.1, NM_001377498.1); short protein forms Q224fs.
Identifiers: ClinVar variation 1453461 (VCV001453461.6), dbSNP rs2106320090, ClinGen allele CA2580616698.